The following is an entry in ClinVar:

ClinVar aggregate classification (germline): Uncertain significance (1 of 4 stars; one submission).

Conditions:
Warburg micro syndrome 2 (WARBM2). Also called: MICRO SYNDROME 2. Identifiers: Orphanet 2510, MedGen C3280214, MONDO:0013641, OMIM 614225.
Martsolf syndrome (MARTS). Also called: Congenital cataract with intellectual disability and hypogonadotropic hypogonadism syndrome. Identifiers: Orphanet 1387, MedGen C0796037, MONDO:0023910.

Submission:

Labcorp Genetics (formerly Invitae), Labcorp
Classification: Uncertain significance for Martsolf syndrome; Warburg micro syndrome 2. Last evaluated: 2020-01-23. Review status: criteria provided, single submitter. Criteria: Invitae Variant Classification Sherloc (09022015). Collection method: clinical testing. Allele origin: germline.
Comment: In summary, the available evidence is currently insufficient to determine the role of this variant in disease. Therefore, it has been classified as a Variant of Uncertain Significance. Algorithms developed to predict the effect of missense changes on protein structure and function are either unavailable or do not agree on the potential impact of this missense change (SIFT: "Deleterious"; PolyPhen-2: "Probably Damaging"; Align-GVGD: "Class C0"). This variant has not been reported in the literature in individuals with RAB3GAP2-related conditions. This variant is not present in population databases (ExAC no frequency). This sequence change replaces tyrosine with cysteine at codon 168 of the RAB3GAP2 protein (p.Tyr168Cys). The tyrosine residue is moderately conserved and there is a large physicochemical difference between tyrosine and cysteine.

NM_012414.4(RAB3GAP2):c.503A>G (p.Tyr168Cys)

Gene: RAB3GAP2 (RAB3 GTPase activating non-catalytic protein subunit 2; minus strand). Cytogenetic location: 1q41.
Variant type: single nucleotide variant.
Coding change: c.503A>G on transcript NM_012414.4 (MANE Select); coding-DNA position 503, A replaced by G.
Protein change: p.Tyr168Cys; replaces tyrosine 168 with cysteine.
Molecular consequence: missense variant.
Genome position (GRCh38, 1-based): chr1:220,210,808, T>C on the plus strand (A>G on the coding strand, the complement: RAB3GAP2 is on the minus strand). VCF-style: chr1-220210808-T-C. GRCh37 (hg19) VCF-style: chr1-220384150-T-C.
Other names: short protein forms Y168C.
Identifiers: ClinVar variation 837664 (VCV000837664.10), dbSNP rs1659068803, ClinGen allele CA344730459.